The following is an entry in ClinVar:

ClinVar aggregate classification (germline): Uncertain significance (1 of 4 stars; one submission).

Submission:

Labcorp Genetics (formerly Invitae), Labcorp
Classification: Uncertain significance. Last evaluated: 2021-10-12. Review status: criteria provided, single submitter. Criteria: Invitae Variant Classification Sherloc (09022015). Collection method: clinical testing. Allele origin: germline.
Comment: This sequence change replaces valine with leucine at codon 114 of the USH1G protein (p.Val114Leu). The valine residue is hihgly conserved and there is a small physicochemical difference between valine and leucine. This variant is not present in population databases (ExAC no frequency). This variant has not been reported in the literature in individuals affected with USH1G-related conditions. Algorithms developed to predict the effect of missense changes on protein structure and function are either unavailable or do not agree on the potential impact of this missense change (SIFT: "Not Available"; PolyPhen-2: "Probably Damaging"; Align-GVGD: "Not Available"). In summary, the available evidence is currently insufficient to determine the role of this variant in disease. Therefore, it has been classified as a Variant of Uncertain Significance.

NM_173477.5(USH1G):c.340G>C (p.Val114Leu)

Gene: USH1G (USH1 protein network component sans; minus strand). Cytogenetic location: 17q25.1.
Variant type: single nucleotide variant.
Coding change: c.340G>C on transcript NM_173477.5 (MANE Select); coding-DNA position 340, G replaced by C.
Protein change: p.Val114Leu; replaces valine 114 with leucine.
Molecular consequence: missense variant.
Genome position (GRCh38, 1-based): chr17:74,920,496, C>G on the plus strand (G>C on the coding strand, the complement: USH1G is on the minus strand). VCF-style: chr17-74920496-C-G. GRCh37 (hg19) VCF-style: chr17-72916591-C-G.
Other names: c.31G>C, p.Val11Leu (NM_001282489.3); short protein forms V114L, V11L.
Identifiers: ClinVar variation 1510628 (VCV001510628.6), dbSNP rs763891710, ClinGen allele CA400965858.
Genomic context (GRCh38, chr17:74,920,496, plus strand): 5'-TACCCACCAGCTTGGGGTTGAGGCTGCTCTGCTTGGCCGCGATGGAGTCCAGGTAGCGCA[C>G]GCATTCCATGTGGCCCTTCATGGCAGCCATGTCCAGCGGCGTGTGGTAGTCGTTGTCTAG-3'
Protein context (NP_775748.2, residues 104-124): MAAMKGHMEC[Val114Leu]RYLDSIAAKQ